The following is an entry in ClinVar:

ClinVar aggregate classification (germline): Benign. Review status: criteria provided, multiple submitters, no conflicts (2 of 4 stars). 3 submissions from 3 submitters: Benign (2). 1 of the submissions does not count toward it. Last evaluated 2026-02-04.

Conditions:
LRRK1-related disorder. Also called: LRRK1-related condition.

Allele frequency attached by ClinVar (database versions not stated): 1000 Genomes Project 30x 0.32167; gnomAD exomes 0.39650 and 0.44686; 1000 Genomes Project 0.31829; TOPMed 0.38566; gnomAD 0.39622 and 0.39318; ExAC 0.40089; ESP Exome Variant Server 0.41657.
gnomAD v4.1: 711,859 of 1,613,030 alleles (44%); highest among the groups gnomAD compares: Non-Finnish European, 47%; 161,390 homozygotes.

Submissions (3):

Labcorp Genetics (formerly Invitae), Labcorp
Classification: Benign. Last evaluated: 2026-02-04. Review status: criteria provided, single submitter. Criteria: Invitae Variant Classification Sherloc (09022015). Collection method: clinical testing. Allele origin: germline.

Breakthrough Genomics
Classification: Benign. Review status: criteria provided, single submitter. Criteria: ACMG Guidelines, 2015. Collection method: not provided. Allele origin: germline. Inheritance: Autosomal recessive inheritance. Affected: yes.

PreventionGenetics, part of Exact Sciences
Classification: Benign for LRRK1-related condition. Last evaluated: 2019-10-17. Review status: no assertion criteria provided. Collection method: clinical testing. Allele origin: germline. Not counted in ClinVar's aggregate classification.
Comment: This variant is classified as benign based on ACMG/AMP sequence variant interpretation guidelines (Richards et al. 2015 PMID: 25741868, with internal and published modifications).

NM_024652.6(LRRK1):c.4533G>A (p.Pro1511=)

Genes: LRRK1 (leucine rich repeat kinase 1; plus strand), LRRK1-AS1 (LRRK1 antisense RNA 1; minus strand). Cytogenetic location: 15q26.3.
Variant type: single nucleotide variant.
Coding change: c.4533G>A on transcript NM_024652.6 (MANE Select); coding-DNA position 4533, G replaced by A.
Protein change: p.Pro1511=; no amino-acid change (proline 1511 retained).
Molecular consequence: synonymous variant.
Genome position (GRCh38, 1-based): chr15:101,057,995, G>A. VCF-style: chr15-101057995-G-A. GRCh37 (hg19) VCF-style: chr15-101598200-G-A.
Other names: c.4533G>A (NM_024652.5).
Identifiers: ClinVar variation 1561782 (VCV001561782.11), dbSNP rs11857803, ClinGen allele CA7761885.